The following is an entry in ClinVar:

NM_002834.5(PTPN11):c.727_732del (p.Val243_Lys244del)

Gene: PTPN11 (protein tyrosine phosphatase non-receptor type 11; plus strand). Cytogenetic location: 12q24.13.
Variant type: Deletion.
Coding change: c.727_732del on transcript NM_002834.5 (MANE Select); coding-DNA positions 727 to 732, 6 bases deleted (GTCAAA; older notation c.727_732delGTCAAA).
Protein change: p.Val243_Lys244del.
Molecular consequence: inframe deletion.
Genome position (GRCh38, 1-based): chr12:112,456,034-112,456,039, GTCAAA deleted; deleting any 6 consecutive bases within chr12:112,456,031-112,456,039 gives the same sequence; the c. name uses the placement nearest the transcript's 3' end. VCF-style (leftmost placement, unchanged base first): chr12-112456030-TAAAGTC-T. GRCh37 (hg19) VCF-style: chr12-112893834-TAAAGTC-T.
Other names: c.727_732del (NM_002834.3); c.727_732del6 (NM_002834.4); c.727_732del, p.Val243_Lys244del (NM_001330437.2, NM_080601.3); c.724_729del, p.Val242_Lys243del (NM_001374625.1).
Identifiers: ClinVar variation 1385131 (VCV001385131.10), dbSNP rs2135872358, ClinGen allele CA2573147994.

ClinVar aggregate classification (germline): Uncertain significance. Review status: criteria provided, multiple submitters, no conflicts (2 of 4 stars). 5 submissions from 5 submitters: Uncertain significance (5). Last evaluated 2026-08-06.

Conditions:
Noonan syndrome 1 (NS1). Also called: PTPN11-Related Noonan Syndrome; FEMALE PSEUDO-TURNER SYNDROME; TURNER PHENOTYPE WITH NORMAL KARYOTYPE. Identifiers: Orphanet 648, MedGen C4551602, MONDO:0008104, OMIM 163950. Disease mechanism: gain of function.
RASopathy. Also called: Noonan spectrum disorder; rasopathies. Identifiers: Orphanet 536391, MedGen C5555857, MONDO:0021060.
PTPN11-related disorder. Also called: PTPN11-Related Disorders.

Submissions (5):

OLLIN Analises Genomicas, OLLIN
Classification: Uncertain significance for Noonan syndrome 1. Last evaluated: 2026-08-06. Review status: criteria provided, single submitter. Criteria: ACMG Guidelines 2015 PMID 25741868. Collection method: clinical testing. Allele origin: germline. Inheritance: Autosomal dominant inheritance.
Comment: This in-frame deletion, located in exon 6 (of 16), is absent from gnomAD and has not been identified in the literature. However, it has been reported in ClinVar (accession VCV001385131.8). This variant removes 2 amino acids, preserving the reading frame and leading to a reduced protein length. According to the currently available evidence, this variant has been classified as uncertain significance (PM2_P, PM4).

PreventionGenetics, part of Exact Sciences
Classification: Uncertain significance for PTPN11-related condition. Last evaluated: 2025-12-17. Review status: criteria provided, single submitter. Criteria: ACMG Guidelines, 2015. Collection method: clinical testing. Allele origin: germline.
Comment: The PTPN11 c.727_732del6 variant is predicted to result in an in-frame deletion (p.Val243_Lys244del). To our knowledge, this variant has not been reported in the literature or in a large population database (gnomAD), indicating this variant is rare. At this time, the clinical significance of this variant is uncertain due to the absence of conclusive functional and genetic evidence.

Dasa
Classification: Uncertain significance. Last evaluated: 2025-03-12. Review status: criteria provided, single submitter. Criteria: DASA Assertion Criteria. Collection method: clinical testing. Allele origin: germline.
Comment: NM_002834.5(PTPN11):c.727_732del (p.Val243_Lys244del) is an in-frame deletion predicted to remove amino acids from valine at protein position 243 through lysine at protein position 244 without shifting the reading frame. This variant is absent from population databases. The currently available literature and clinical evidence are not sufficient to establish a definitive association between this variant and the reported condition. Therefore, this variant is classified as a variant of uncertain significance.

GeneDx
Classification: Uncertain significance. Last evaluated: 2023-11-20. Review status: criteria provided, single submitter. Criteria: GeneDx Variant Classification Process June 2021. Collection method: clinical testing. Allele origin: germline. Affected: yes.
Comment: Not observed at significant frequency in large population cohorts (gnomAD); In-frame deletion of two amino acids in a non-repeat region; In silico analysis supports a deleterious effect on protein structure/function; Has not been previously published as pathogenic or benign to our knowledge; This variant is associated with the following publications: (PMID: 29493581)

Labcorp Genetics (formerly Invitae), Labcorp
Classification: Uncertain significance for RASopathy. Last evaluated: 2021-12-09. Review status: criteria provided, single submitter. Criteria: Invitae Variant Classification Sherloc (09022015). Collection method: clinical testing. Allele origin: germline.
Comment: This variant, c.727_732del, results in the deletion of 2 amino acid(s) of the PTPN11 protein (p.Val243_Lys244del), but otherwise preserves the integrity of the reading frame. In summary, the available evidence is currently insufficient to determine the role of this variant in disease. Therefore, it has been classified as a Variant of Uncertain Significance. Experimental studies and prediction algorithms are not available or were not evaluated, and the functional significance of this variant is currently unknown. This variant has not been reported in the literature in individuals affected with PTPN11-related conditions. This variant is not present in population databases (gnomAD no frequency).